The following is an entry in ClinVar:

NM_003200.5(TCF3):c.1882G>A (p.Gly628Ser)

Gene: TCF3 (transcription factor 3; minus strand). Cytogenetic location: 19p13.3.
Variant type: single nucleotide variant.
Coding change: c.1882G>A on transcript NM_003200.5 (MANE Select); coding-DNA position 1882, G replaced by A.
Protein change: p.Gly628Ser; replaces glycine 628 with serine.
Molecular consequence: missense variant.
Genome position (GRCh38, 1-based): chr19:1,611,790, C>T on the plus strand (G>A on the coding strand, the complement: TCF3 is on the minus strand). VCF-style: chr19-1611790-C-T. GRCh37 (hg19) VCF-style: chr19-1611789-C-T.
Other names: c.1873G>A, p.Gly625Ser (NM_001136139.4, NM_001351779.2); c.1879G>A, p.Gly627Ser (NM_001351778.2); short protein forms G625S, G627S, G628S.
Identifiers: ClinVar variation 4181552 (VCV004181552.2).
Genomic context (GRCh38, chr19:1,611,790, plus strand): 5'-GGGCTTCGCTCAGGCCTGGGTGGGGAGCTGAAAGCACCATCTGGGGGTCTCCAACCACAC[C>T]TGACACCTTTTCCTCTTCTCGCCGTTTCAAACAGGCTGCTTTGGGATTCAGGTTCCGCTC-3'
Protein context (NP_003191.1, residues 618-638): LKRREEEKVS[Gly628Ser]VVGDPQMVLS

ClinVar aggregate classification (germline): Uncertain significance. Review status: criteria provided, multiple submitters, no conflicts (2 of 4 stars). 2 submissions from 2 submitters: Uncertain significance (2). Last evaluated 2025-10-29.

Conditions:
Inborn genetic diseases. Identifiers: MedGen C0950123, MeSH D030342.

Submissions (2):

Labcorp Genetics (formerly Invitae), Labcorp
Classification: Uncertain significance. Last evaluated: 2025-10-29. Review status: criteria provided, single submitter. Criteria: Invitae Variant Classification Sherloc (09022015). Collection method: clinical testing. Allele origin: germline.
Comment: This sequence change replaces glycine, which is neutral and non-polar, with serine, which is neutral and polar, at codon 628 of the TCF3 protein (p.Gly628Ser). This variant is present in population databases (rs146047446, gnomAD 0.0009%). This variant has not been reported in the literature in individuals affected with TCF3-related conditions. ClinVar contains an entry for this variant (Variation ID: 4181552). Invitae Evidence Modeling of protein sequence and biophysical properties (such as structural, functional, and spatial information, amino acid conservation, physicochemical variation, residue mobility, and thermodynamic stability) indicates that this missense variant is not expected to disrupt TCF3 protein function with a negative predictive value of 80%. In summary, the available evidence is currently insufficient to determine the role of this variant in disease. Therefore, it has been classified as a Variant of Uncertain Significance.

Ambry Genetics
Classification: Uncertain significance for Inborn genetic diseases. Last evaluated: 2025-06-17. Review status: criteria provided, single submitter. Criteria: Ambry Variant Classification Scheme 2023. Collection method: clinical testing. Allele origin: germline.